The following is an entry in ClinVar:

NM_001122955.4(BSCL2):c.1360C>T (p.Arg454Ter)

Genes: BSCL2 (BSCL2 lipid droplet biogenesis associated, seipin; minus strand), HNRNPUL2-BSCL2 (HNRNPUL2-BSCL2 readthrough (NMD candidate); minus strand). Cytogenetic location: 11q12.3.
Variant type: single nucleotide variant.
Coding change: c.1360C>T on transcript NM_001122955.4 (MANE Select); coding-DNA position 1360, C replaced by T.
Protein change: p.Arg454Ter; replaces arginine 454 with a stop codon.
Molecular consequence: nonsense. On other transcripts: non-coding transcript variant (1), 3 prime UTR variant (1).
Genome position (GRCh38, 1-based): chr11:62,690,396, G>A on the plus strand (C>T on the coding strand, the complement: BSCL2 is on the minus strand). VCF-style: chr11-62690396-G-A. GRCh37 (hg19) VCF-style: chr11-62457868-G-A.
Other names: c.*162C>T (NM_001130702.2); c.1366C>T, p.Arg456Ter (NM_001386027.1); c.1360C>T, p.Arg454Ter (NM_001386028.1); c.1168C>T, p.Arg390Ter (NM_032667.6); short protein forms R454*, R456*, R390*.
Identifiers: ClinVar variation 1032980 (VCV001032980.15), dbSNP rs138515091, ClinGen allele CA6053243.

ClinVar aggregate classification (germline): Conflicting classifications of pathogenicity. Review status: criteria provided, conflicting classifications (1 of 4 stars). 4 submissions from 4 submitters: Pathogenic (1); Uncertain significance (3). Last evaluated 2026-02-21.

Conditions:
Charcot-Marie-Tooth disease type 2. Also called: Charcot-Marie-Tooth type 2. Identifiers: Orphanet 64746, MedGen C0270914, MONDO:0018993.
Severe neurodegenerative syndrome with lipodystrophy. Also called: ENCEPHALOPATHY, PROGRESSIVE, WITH LIPODYSTROPHY; Encephalopathy, progressive, with or without lipodystrophy. Identifiers: Orphanet 363400, MedGen C4014700, MONDO:0014402, OMIM 615924.

Allele frequency attached by ClinVar (database versions not stated): ExAC 0.00001; gnomAD 0.00001 and 0.00002; gnomAD exomes 0.00002; TOPMed 0.00002; ESP Exome Variant Server 0.00008.
gnomAD v4.1: 30 of 1,613,980 alleles (0.0019%); highest among the groups gnomAD compares: Non-Finnish European, 0.0024%; no homozygotes.

Submissions (4):

Dasa
Classification: Uncertain significance. Last evaluated: 2026-02-21. Review status: criteria provided, single submitter. Criteria: DASA Assertion Criteria. Collection method: clinical testing. Allele origin: germline.
Comment: NM_001122955.4(BSCL2):c.1360C>T (p.Arg454*) is a nonsense variant in BSCL2 predicted to introduce a premature termination codon and is predicted to result in an absent or altered protein product. This variant is rare in population databases. The currently available literature and clinical evidence are not sufficient to establish a definitive association between this variant and the reported condition. Therefore, this variant is classified as a variant of uncertain significance.

CeGaT Center for Human Genetics Tuebingen
Classification: Uncertain significance. Last evaluated: 2025-11-01. Review status: criteria provided, single submitter. Criteria: CeGaT Center For Human Genetics Tuebingen Variant Classification Criteria Version 2. Collection method: clinical testing. Allele origin: germline. Affected: yes. Observed: 1 variant allele.
Comment: BSCL2: PM2, PVS1:Moderate

Labcorp Genetics (formerly Invitae), Labcorp
Classification: Pathogenic for Charcot-Marie-Tooth disease type 2. Last evaluated: 2025-08-03. Review status: criteria provided, single submitter. Criteria: Invitae Variant Classification Sherloc (09022015). Collection method: clinical testing. Allele origin: germline.
Comment: This sequence change creates a premature translational stop signal (p.Arg390*) in the BSCL2 gene. While this is not anticipated to result in nonsense mediated decay, it is expected to disrupt the last 9 amino acid(s) of the BSCL2 protein. This variant is present in population databases (rs138515091, gnomAD 0.007%). This variant has not been reported in the literature in individuals affected with BSCL2-related conditions. ClinVar contains an entry for this variant (Variation ID: 1032980). Experimental studies and prediction algorithms are not available or were not evaluated, and the functional significance of this variant is currently unknown. This variant disrupts a region of the BSCL2 protein in which other variant(s) (p.Gln391*) have been determined to be pathogenic (PMID: 19226263, 24024128). This suggests that this is a clinically significant region of the protein, and that variants that disrupt it are likely to be disease-causing. For these reasons, this variant has been classified as Pathogenic.

Baylor Genetics
Classification: Uncertain significance for Severe neurodegenerative syndrome with lipodystrophy. Last evaluated: 2018-07-24. Review status: criteria provided, single submitter. Criteria: ACMG Guidelines, 2015. Collection method: clinical testing. Allele origin: maternal. Affected: yes.
Comment: This variant was determined to be of uncertain significance according to ACMG Guidelines, 2015 [PMID:25741868].

Literature cited by the submitters: PubMed 19226263 (cited by Labcorp Genetics (formerly Invitae), Labcorp); PubMed 24024128 (cited by Labcorp Genetics (formerly Invitae), Labcorp).